The following is an entry in ClinVar:

ClinVar aggregate classification (germline): Uncertain significance (1 of 4 stars; one submission).

Conditions:
Hereditary cancer-predisposing syndrome. Also called: Tumor predisposition; Neoplastic Syndromes, Hereditary; Hereditary neoplastic syndrome; Hereditary Cancer Syndrome. Identifiers: Orphanet 140162, MedGen C0027672, MeSH D009386, MONDO:0015356.

Allele frequency attached by ClinVar (database versions not stated): gnomAD exomes below 0.00001.

Submission:

Labcorp Genetics (formerly Invitae), Labcorp
Classification: Uncertain significance for Hereditary cancer-predisposing syndrome. Last evaluated: 2023-05-23. Review status: criteria provided, single submitter. Criteria: Invitae Variant Classification Sherloc (09022015). Collection method: clinical testing. Allele origin: germline.
Comment: In summary, the available evidence is currently insufficient to determine the role of this variant in disease. Therefore, it has been classified as a Variant of Uncertain Significance. Advanced modeling of protein sequence and biophysical properties (such as structural, functional, and spatial information, amino acid conservation, physicochemical variation, residue mobility, and thermodynamic stability) performed at Invitae indicates that this missense variant is not expected to disrupt RAD50 protein function. ClinVar contains an entry for this variant (Variation ID: 1515201). This variant has not been reported in the literature in individuals affected with RAD50-related conditions. The frequency data for this variant in the population databases is considered unreliable, as metrics indicate poor data quality at this position in the gnomAD database. This sequence change replaces isoleucine, which is neutral and non-polar, with valine, which is neutral and non-polar, at codon 740 of the RAD50 protein (p.Ile740Val).

NM_005732.4(RAD50):c.2218A>G (p.Ile740Val)

Gene: RAD50 (RAD50 double strand break repair protein; plus strand). Cytogenetic location: 5q31.1.
Variant type: single nucleotide variant.
Coding change: c.2218A>G on transcript NM_005732.4 (MANE Select); coding-DNA position 2218, A replaced by G.
Protein change: p.Ile740Val; replaces isoleucine 740 with valine.
Molecular consequence: missense variant.
Genome position (GRCh38, 1-based): chr5:132,603,310, A>G. VCF-style: chr5-132603310-A-G. GRCh37 (hg19) VCF-style: chr5-131939002-A-G.
Other names: short protein forms I740V.
Identifiers: ClinVar variation 1515201 (VCV001515201.8), dbSNP rs1188372822, ClinGen allele CA360953073.